The following is an entry in ClinVar:

NM_001039348.3(EFEMP1):c.383C>G (p.Pro128Arg)

Gene: EFEMP1 (EGF-like fibulin extracellular matrix protein 1; minus strand). Cytogenetic location: 2p16.1.
Variant type: single nucleotide variant.
Coding change: c.383C>G on transcript NM_001039348.3 (MANE Select); coding-DNA position 383, C replaced by G.
Protein change: p.Pro128Arg; replaces proline 128 with arginine.
Molecular consequence: missense variant.
Genome position (GRCh38, 1-based): chr2:55,917,799, G>C on the plus strand (C>G on the coding strand, the complement: EFEMP1 is on the minus strand). VCF-style: chr2-55917799-G-C. GRCh37 (hg19) VCF-style: chr2-56144934-G-C.
Other names: c.383C>G, p.Pro128Arg (NM_001039349.3); short protein forms P128R.
Identifiers: ClinVar variation 4247047 (VCV004247047.2).

ClinVar aggregate classification (germline): Uncertain significance. Review status: criteria provided, multiple submitters, no conflicts (2 of 4 stars). 2 submissions from 2 submitters: Uncertain significance (2). Last evaluated 2025-11-24.

Conditions:
Inborn genetic diseases. Identifiers: MedGen C0950123, MeSH D030342.

Submissions (2):

Labcorp Genetics (formerly Invitae), Labcorp
Classification: Uncertain significance. Last evaluated: 2025-11-24. Review status: criteria provided, single submitter. Criteria: Invitae Variant Classification Sherloc (09022015). Collection method: clinical testing. Allele origin: germline.
Comment: This sequence change replaces proline, which is neutral and non-polar, with arginine, which is basic and polar, at codon 128 of the EFEMP1 protein (p.Pro128Arg). This variant is not present in population databases (gnomAD no frequency). This variant has not been reported in the literature in individuals affected with EFEMP1-related conditions. ClinVar contains an entry for this variant (Variation ID: 4247047). An algorithm developed to predict the effect of missense changes on protein structure and function (PolyPhen-2) suggests that this variant is likely to be tolerated. In summary, the available evidence is currently insufficient to determine the role of this variant in disease. Therefore, it has been classified as a Variant of Uncertain Significance.

Ambry Genetics
Classification: Uncertain significance for Inborn genetic diseases. Last evaluated: 2025-09-09. Review status: criteria provided, single submitter. Criteria: Ambry Variant Classification Scheme 2023. Collection method: clinical testing. Allele origin: germline.